The following is an entry in ClinVar:

NM_024675.4(PALB2):c.168T>G (p.Asp56Glu)

Gene: PALB2 (partner and localizer of BRCA2; minus strand). Cytogenetic location: 16p12.2.
Variant type: single nucleotide variant.
Coding change: c.168T>G on transcript NM_024675.4 (MANE Select); coding-DNA position 168, T replaced by G.
Protein change: p.Asp56Glu; replaces aspartic acid 56 with glutamic acid.
Molecular consequence: missense variant.
Genome position (GRCh38, 1-based): chr16:23,637,893, A>C on the plus strand (T>G on the coding strand, the complement: PALB2 is on the minus strand). VCF-style: chr16-23637893-A-C. GRCh37 (hg19) VCF-style: chr16-23649214-A-C.
Other names: short protein forms D56E.
Identifiers: ClinVar variation 972629 (VCV000972629.10), dbSNP rs1203135643, ClinGen allele CA395139137.

ClinVar aggregate classification (germline): Uncertain significance (1 of 4 stars; one submission).

Conditions:
Familial cancer of breast. Also called: hereditary breast carcinoma; Hereditary breast cancer; BREAST CANCER, FAMILIAL. Identifiers: Orphanet 227535, MedGen C0346153, MONDO:0016419, OMIM 114480. Disease mechanism: loss of function.

Submission:

Labcorp Genetics (formerly Invitae), Labcorp
Classification: Uncertain significance for Familial cancer of breast. Last evaluated: 2019-10-09. Review status: criteria provided, single submitter. Criteria: Invitae Variant Classification Sherloc (09022015). Collection method: clinical testing. Allele origin: germline.
Comment: Algorithms developed to predict the effect of missense changes on protein structure and function are either unavailable or do not agree on the potential impact of this missense change (SIFT: "Tolerated"; PolyPhen-2: "Benign"; Align-GVGD: "Class C0"). In summary, the available evidence is currently insufficient to determine the role of this variant in disease. Therefore, it has been classified as a Variant of Uncertain Significance. This variant has not been reported in the literature in individuals with PALB2-related conditions. This variant is not present in population databases (ExAC no frequency). This sequence change replaces aspartic acid with glutamic acid at codon 56 of the PALB2 protein (p.Asp56Glu). The aspartic acid residue is moderately conserved and there is a small physicochemical difference between aspartic acid and glutamic acid.